The following is an entry in ClinVar:

NM_002834.5(PTPN11):c.441T>C (p.Phe147=)

Gene: PTPN11 (protein tyrosine phosphatase non-receptor type 11; plus strand). Cytogenetic location: 12q24.13.
Variant type: single nucleotide variant.
Coding change: c.441T>C on transcript NM_002834.5 (MANE Select); coding-DNA position 441, T replaced by C.
Protein change: p.Phe147=; no amino-acid change (phenylalanine 147 retained).
Molecular consequence: synonymous variant.
Genome position (GRCh38, 1-based): chr12:112,453,303, T>C. VCF-style: chr12-112453303-T-C. GRCh37 (hg19) VCF-style: chr12-112891107-T-C.
Other names: c.441T>C, p.Phe147= (NM_001330437.2, NM_080601.3); c.438T>C, p.Phe146= (NM_001374625.1).
Identifiers: ClinVar variation 4614769 (VCV004614769.5).

ClinVar aggregate classification (germline): Likely benign. Review status: criteria provided, multiple submitters, no conflicts (2 of 4 stars). 2 submissions from 2 submitters: Likely benign (2). Last evaluated 2025-12-01.

Conditions:
Cardiovascular phenotype. Identifiers: MedGen CN230736.

Submissions (2):

CeGaT Center for Human Genetics Tuebingen
Classification: Likely benign. Last evaluated: 2025-12-01. Review status: criteria provided, single submitter. Criteria: CeGaT Center For Human Genetics Tuebingen Variant Classification Criteria Version 2. Collection method: clinical testing. Allele origin: germline. Affected: yes. Observed: 1 variant allele.
Comment: PTPN11: PM2:Supporting, BP4, BP7

Ambry Genetics
Classification: Likely benign for Cardiovascular phenotype. Last evaluated: 2025-10-22. Review status: criteria provided, single submitter. Criteria: Ambry Variant Classification Scheme 2023. Collection method: clinical testing. Allele origin: germline.